The following is an entry in ClinVar:

NM_000051.4(ATM):c.7608del (p.His2538fs)

Genes: ATM (ATM serine/threonine kinase; plus strand), C11orf65 (chromosome 11 open reading frame 65; minus strand). Cytogenetic location: 11q22.3.
Variant type: Deletion.
Coding change: c.7608del on transcript NM_000051.4 (MANE Select); coding-DNA position 7608, one base deleted (A; older notation c.7608delA).
Protein change: p.His2538fs; shifts the reading frame from histidine 2538.
Molecular consequence: frameshift variant. On other transcripts: intron variant (2), non-coding transcript variant (1).
Genome position (GRCh38, 1-based): chr11:108,331,536, A deleted. VCF-style (leftmost placement, unchanged base first): chr11-108331535-GA-G. GRCh37 (hg19) VCF-style: chr11-108202262-GA-G.
Other names: c.7608del, p.His2538fs (NM_001351834.2); c.641-22465del (NM_001330368.2); c.*38+3684del (NM_001351110.2); short protein forms H2538fs.
Identifiers: ClinVar variation 568719 (VCV000568719.10), dbSNP rs1565532554, ClinGen allele CA891842775.

ClinVar aggregate classification (germline): Pathogenic. Review status: criteria provided, multiple submitters, no conflicts (2 of 4 stars). 2 submissions from 2 submitters: Pathogenic (2). Last evaluated 2024-01-31.

Conditions:
Familial cancer of breast. Also called: BREAST CANCER, FAMILIAL; Hereditary breast cancer; hereditary breast carcinoma. Identifiers: Orphanet 227535, MedGen C0346153, MONDO:0016419, OMIM 114480. Disease mechanism: loss of function.
Ataxia-telangiectasia syndrome (AT). Also called: Cerebello-oculocutaneous telangiectasia; Immunodeficiency with ataxia telangiectasia; Ataxia-telangiectasia, complementation group E; Ataxia-telangiectasia, complementation group D; AT, COMPLEMENTATION GROUP C; ATAXIA-TELANGIECTASIA, COMPLEMENTATION GROUP A. Identifiers: Orphanet 100, MedGen C0004135, MONDO:0008840, OMIM 208900.

Submissions (2):

Myriad Genetics, Inc.
Classification: Pathogenic for Familial cancer of breast. Last evaluated: 2024-01-31. Review status: criteria provided, single submitter. Criteria: Myriad Autosomal Dominant, Autosomal Recessive and X-Linked Classification Criteria (2023). Collection method: clinical testing. Allele origin: unknown.
Comment: This variant is considered pathogenic. This variant creates a frameshift predicted to result in premature protein truncation.

Labcorp Genetics (formerly Invitae), Labcorp
Classification: Pathogenic for Ataxia-telangiectasia syndrome. Last evaluated: 2018-09-12. Review status: criteria provided, single submitter. Criteria: Invitae Variant Classification Sherloc (09022015). Collection method: clinical testing. Allele origin: germline.
Comment: For these reasons, this variant has been classified as Pathogenic. Loss-of-function variants in ATM are known to be pathogenic (PMID: 23807571, 25614872). This variant has not been reported in the literature in individuals with ATM-related disease. This variant is not present in population databases (ExAC no frequency). This sequence change creates a premature translational stop signal (p.His2538Metfs*7) in the ATM gene. It is expected to result in an absent or disrupted protein product.

Literature cited by the submitters: PubMed 23807571 (cited by Labcorp Genetics (formerly Invitae), Labcorp); PubMed 25614872 (cited by Labcorp Genetics (formerly Invitae), Labcorp).